The following is an entry in ClinVar:

NM_001070.5(TUBG1):c.843+66T>A

Gene: TUBG1 (tubulin gamma 1; plus strand). Cytogenetic location: 17q21.2.
Variant type: single nucleotide variant.
Coding change: c.843+66T>A on transcript NM_001070.5 (MANE Select); 66 bases into the intron after coding-DNA position 843, T replaced by A.
Molecular consequence: intron variant.
Genome position (GRCh38, 1-based): chr17:42,614,064, T>A. VCF-style: chr17-42614064-T-A. GRCh37 (hg19) VCF-style: chr17-40766082-T-A.
Identifiers: ClinVar variation 3389771 (VCV003389771.14).

ClinVar aggregate classification (germline): Likely benign (1 of 4 stars; one submission).

gnomAD v4.1: 2 of 1,609,162 alleles (0.00012%); highest among the groups gnomAD compares: Non-Finnish European, 0.00017%; no homozygotes.

Submission:

CeGaT Center for Human Genetics Tuebingen
Classification: Likely benign. Last evaluated: 2024-09-01. Review status: criteria provided, single submitter. Criteria: CeGaT Center For Human Genetics Tuebingen Variant Classification Criteria Version 2. Collection method: clinical testing. Allele origin: germline. Affected: yes. Observed: 1 variant allele.
Comment: TUBG1: BP4, BP7